The following is an entry in ClinVar:

NM_000918.4(P4HB):c.1294G>A (p.Val432Met)

Gene: P4HB (prolyl 4-hydroxylase subunit beta; minus strand). Cytogenetic location: 17q25.3.
Variant type: single nucleotide variant.
Coding change: c.1294G>A on transcript NM_000918.4 (MANE Select); coding-DNA position 1294, G replaced by A.
Protein change: p.Val432Met; replaces valine 432 with methionine.
Molecular consequence: missense variant.
Genome position (GRCh38, 1-based): chr17:81,845,626, C>T on the plus strand (G>A on the coding strand, the complement: P4HB is on the minus strand). VCF-style: chr17-81845626-C-T. GRCh37 (hg19) VCF-style: chr17-79803502-C-T.
Other names: short protein forms V432M.
Identifiers: ClinVar variation 3723003 (VCV003723003.2).

ClinVar aggregate classification (germline): Uncertain significance (1 of 4 stars; one submission).

Submission:

Labcorp Genetics (formerly Invitae), Labcorp
Classification: Uncertain significance. Last evaluated: 2025-01-23. Review status: criteria provided, single submitter. Criteria: Invitae Variant Classification Sherloc (09022015). Collection method: clinical testing. Allele origin: germline.
Comment: This sequence change replaces valine, which is neutral and non-polar, with methionine, which is neutral and non-polar, at codon 432 of the P4HB protein (p.Val432Met). This variant is present in population databases (rs200655529, gnomAD 0.004%). This variant has not been reported in the literature in individuals affected with P4HB-related conditions. Invitae Evidence Modeling of protein sequence and biophysical properties (such as structural, functional, and spatial information, amino acid conservation, physicochemical variation, residue mobility, and thermodynamic stability) indicates that this missense variant is not expected to disrupt P4HB protein function with a negative predictive value of 80%. In summary, the available evidence is currently insufficient to determine the role of this variant in disease. Therefore, it has been classified as a Variant of Uncertain Significance.